The following is an entry in ClinVar:

NM_000540.3(RYR1):c.12063C>T (p.Asp4021=)

Gene: RYR1 (ryanodine receptor 1; plus strand). Cytogenetic location: 19q13.2.
Variant type: single nucleotide variant.
Coding change: c.12063C>T on transcript NM_000540.3 (MANE Select); coding-DNA position 12063, C replaced by T.
Protein change: p.Asp4021=; no amino-acid change (aspartic acid 4021 retained).
Molecular consequence: synonymous variant.
Genome position (GRCh38, 1-based): chr19:38,546,495, C>T. VCF-style: chr19-38546495-C-T. GRCh37 (hg19) VCF-style: chr19-39037135-C-T.
Other names: c.12048C>T, p.Asp4016= (NM_001042723.2).
Identifiers: ClinVar variation 2900126 (VCV002900126.4), dbSNP rs140836772, ClinGen allele CA080570.

ClinVar aggregate classification (germline): Likely benign. Review status: criteria provided, multiple submitters, no conflicts (2 of 4 stars). 2 submissions from 2 submitters: Likely benign (2). Last evaluated 2025-12-31.

Conditions:
Malignant hyperthermia, susceptibility to, 1 (MHS1). Also called: Malignant hyperthermia suceptibility 1; Anesthesia related hyperthermia; Malignant hyperpyrexia; Fulminating hyperpyrexia; Pharmacogenic myopathy; RYR1-Related Malignant Hyperthermia Susceptibility. Identifiers: Orphanet 423, MedGen C2930980, MONDO:0007783, OMIM 145600.
RYR1-related disorder. Also called: RYR1-related condition; RYR1-related disorders. Identifiers: MedGen CN239331.

Allele frequency attached by ClinVar (database versions not stated): ExAC 0.00001; gnomAD exomes 0.00003; ESP Exome Variant Server 0.00008.
gnomAD v4.1: 37 of 1,613,574 alleles (0.0023%); highest among the groups gnomAD compares: Non-Finnish European, 0.0031%; no homozygotes.

Submissions (2):

Labcorp Genetics (formerly Invitae), Labcorp
Classification: Likely benign for RYR1-related disorder. Last evaluated: 2025-12-31. Review status: criteria provided, single submitter. Criteria: Invitae Variant Classification Sherloc (09022015). Collection method: clinical testing. Allele origin: germline.

All of Us Research Program, National Institutes of Health
Classification: Likely benign for Malignant hyperthermia, susceptibility to, 1. Last evaluated: 2023-05-04. Review status: criteria provided, single submitter. Criteria: ACMG Guidelines, 2015. Collection method: clinical testing. Allele origin: germline. Inheritance: Autosomal dominant inheritance. Observed: 1 variant allele, 1 heterozygote.
Comment: This study involves interpretation of variants in research participants for the purpose of population health screening. Participant phenotype was not available at the time of variant classification. Additional details can be found in publication PMID: 35346344, PMCID: PMC8962531